The following is an entry in ClinVar:

NM_024312.5(GNPTAB):c.2974C>T (p.Gln992Ter)

Gene: GNPTAB (N-acetylglucosamine-1-phosphate transferase subunits alpha and beta; minus strand). Cytogenetic location: 12q23.2.
Variant type: single nucleotide variant.
Coding change: c.2974C>T on transcript NM_024312.5 (MANE Select); coding-DNA position 2974, C replaced by T.
Protein change: p.Gln992Ter; replaces glutamine 992 with a stop codon.
Molecular consequence: nonsense.
Genome position (GRCh38, 1-based): chr12:101,761,288, G>A on the plus strand (C>T on the coding strand, the complement: GNPTAB is on the minus strand). VCF-style: chr12-101761288-G-A. GRCh37 (hg19) VCF-style: chr12-102155066-G-A.
Other names: short protein forms Q992*.
Identifiers: ClinVar variation 2940609 (VCV002940609.3), dbSNP rs1594210932, ClinGen allele CA386295925.

ClinVar aggregate classification (germline): Pathogenic (1 of 4 stars; one submission).

Conditions:
Mucolipidosis type II. Also called: ML II ALPHA/BETA; Mucolipidosis 2; ML 2; Inclusion cell disease; Leroy Disease; N-acetylglucosamine 1phosphotransferase deficiency. Identifiers: Orphanet 576, MedGen C2673377, MONDO:0009650, OMIM 252500.
Pseudo-Hurler polydystrophy. Also called: ML III; ML III ALPHA/BETA; Type III Mucolipidosis; ML IIIA; Mucolipidosis III Alpha/Beta; MUCOLIPIDOSIS IIIA. Identifiers: Orphanet 423461, Orphanet 577, MedGen C0033788, MONDO:0018931, OMIM 252600.

Allele frequency attached by ClinVar (database versions not stated): gnomAD exomes below 0.00001; TOPMed below 0.00001; gnomAD 0.00001.
gnomAD v4.1: 2 of 1,613,958 alleles (0.00012%); highest among the groups gnomAD compares: African/African-American, 0.0027%; no homozygotes.

Submission:

Labcorp Genetics (formerly Invitae), Labcorp
Classification: Pathogenic for Pseudo-Hurler polydystrophy; Mucolipidosis type II. Last evaluated: 2023-01-19. Review status: criteria provided, single submitter. Criteria: Invitae Variant Classification Sherloc (09022015). Collection method: clinical testing. Allele origin: germline.
Comment: For these reasons, this variant has been classified as Pathogenic. Algorithms developed to predict the effect of sequence changes on RNA splicing suggest that this variant may disrupt the consensus splice site. This variant has not been reported in the literature in individuals affected with GNPTAB-related conditions. This variant is not present in population databases (gnomAD no frequency). This sequence change creates a premature translational stop signal (p.Gln992*) in the GNPTAB gene. It is expected to result in an absent or disrupted protein product. Loss-of-function variants in GNPTAB are known to be pathogenic (PMID: 19617216, 25107912).

Literature cited by the submitters: PubMed 19617216; PubMed 25107912.